The following is an entry in ClinVar:

NM_000059.4(BRCA2):c.5266dup (p.Val1756fs)

Gene: BRCA2 (BRCA2 DNA repair associated; plus strand). Cytogenetic location: 13q13.1.
Variant type: Duplication.
Coding change: c.5266dup on transcript NM_000059.4 (MANE Select); coding-DNA position 5266, one base duplicated (G; older notation c.5266dupG).
Protein change: p.Val1756fs; shifts the reading frame from valine 1756.
Molecular consequence: frameshift variant.
Genome position (GRCh38, 1-based): chr13:32,339,621, G duplicated; the last of 2 consecutive G bases (chr13:32,339,620-32,339,621); duplicating either gives the same sequence. VCF-style (leftmost placement, unchanged base first): chr13-32339619-A-AG. GRCh37 (hg19) VCF-style: chr13-32913756-A-AG.
Other names: c.5266dup, p.Val1756Glyfs (NM_001406719.1, NM_001406720.1); short protein forms V1756fs.
Identifiers: ClinVar variation 2030079 (VCV002030079.4), dbSNP rs2548530361, ClinGen allele CA2580087328.

ClinVar aggregate classification (germline): Pathogenic (1 of 4 stars; one submission).

Conditions:
Hereditary breast ovarian cancer syndrome. Also called: BRCA1- and BRCA2-Associated Hereditary Breast and Ovarian Cancer; Hereditary breast and ovarian cancer; Hereditary breast and ovarian cancer syndrome (HBOC); Breast and ovarian cancer; Hereditary breast and ovarian cancer syndrome; Hereditary breast and/or ovarian cancer syndrome. Identifiers: Orphanet 145, MedGen C0677776, MeSH D061325, MONDO:0003582. Disease mechanism: loss of function.

Submission:

Labcorp Genetics (formerly Invitae), Labcorp
Classification: Pathogenic for Hereditary breast ovarian cancer syndrome. Last evaluated: 2022-09-12. Review status: criteria provided, single submitter. Criteria: Invitae Variant Classification Sherloc (09022015). Collection method: clinical testing. Allele origin: germline.
Comment: This variant is not present in population databases (gnomAD no frequency). For these reasons, this variant has been classified as Pathogenic. This variant has not been reported in the literature in individuals affected with BRCA2-related conditions. This sequence change creates a premature translational stop signal (p.Val1756Glyfs*3) in the BRCA2 gene. It is expected to result in an absent or disrupted protein product. Loss-of-function variants in BRCA2 are known to be pathogenic (PMID: 20104584).

Literature cited by the submitters: PubMed 20104584.